The following is an entry in ClinVar:

NM_014946.4(SPAST):c.1735A>C (p.Asn579His)

Gene: SPAST (spastin; plus strand). Cytogenetic location: 2p22.3.
Variant type: single nucleotide variant.
Coding change: c.1735A>C on transcript NM_014946.4 (MANE Select); coding-DNA position 1735, A replaced by C.
Protein change: p.Asn579His; replaces asparagine 579 with histidine.
Molecular consequence: missense variant. On other transcripts: 3 prime UTR variant (1).
Genome position (GRCh38, 1-based): chr2:32,154,380, A>C. VCF-style: chr2-32154380-A-C. GRCh37 (hg19) VCF-style: chr2-32379449-A-C.
Other names: c.1732A>C, p.Asn578His (NM_001363823.2); c.1636A>C, p.Asn546His (NM_001363875.2); c.*8A>C (NM_001377959.1); c.1639A>C, p.Asn547His (NM_199436.2); short protein forms N579H, N547H, N546H, N578H.
Identifiers: ClinVar variation 212290 (VCV000212290.76), dbSNP rs144594804, ClinGen allele CA207191.

ClinVar aggregate classification (germline): Conflicting classifications of pathogenicity. Review status: criteria provided, conflicting classifications (1 of 4 stars). 11 submissions from 11 submitters: Uncertain significance (7); Benign (1); Likely benign (3). Last evaluated 2026-09-09.

Conditions:
Spastic ataxia. Identifiers: Orphanet 316226, MedGen C1849156, MONDO:0017845, HP:0002497.
Spastic paraplegia. Identifiers: MedGen C0037772, HP:0001258.
Hereditary spastic paraplegia. Also called: Familial spastic paraparesis. Identifiers: Orphanet 685, MedGen C0037773, MONDO:0019064. Disease mechanism: loss of function.
Hereditary spastic paraplegia 4. Also called: Spastic paraplegia 4, autosomal dominant; Spastic Paraplegia 4; Familial spastic paraplegia autosomal dominant 2. Identifiers: Orphanet 100985, MedGen C1866855, MONDO:0008438, OMIM 182601.

Allele frequency attached by ClinVar (database versions not stated): 1000 Genomes Project 30x 0.00016; 1000 Genomes Project 0.00020; TOPMed 0.00029; gnomAD 0.00031; gnomAD exomes 0.00038 and 0.00069; ExAC 0.00046; ESP Exome Variant Server 0.00069.
gnomAD v4.1: 1,032 of 1,613,136 alleles (0.064%); highest among the groups gnomAD compares: Non-Finnish European, 0.083%; 1 homozygote.

Submissions (11):

GeneDx
Classification: Uncertain significance. Last evaluated: 2026-09-09. Review status: criteria provided, single submitter. Criteria: GeneDx Variant Classification Process June 2021. Collection method: clinical testing. Allele origin: germline.
Comment: Reported in an individual with an apparently sporadic, adult-onset upper motor neuron syndrome (PMID: 16240363); Reported in two individuals with hereditary spastic paraplegia who harbored a second SPAST variant; however, phase is unknown as parental testing was not performed (PMID: 16055926, 28572275); In silico analysis supports that this missense variant has a deleterious effect on protein structure/function; This variant is associated with the following publications: (PMID: 20562464, 17594340, 30476002, 24451228, 28572275, 16055926, 34426522, 34445196, 21139634, 26094131, 16240363, 34983064, 27535533)

CeGaT Center for Human Genetics Tuebingen
Classification: Uncertain significance. Last evaluated: 2026-03-01. Review status: criteria provided, single submitter. Criteria: CeGaT Center For Human Genetics Tuebingen Variant Classification Criteria Version 2. Collection method: clinical testing. Allele origin: germline. Affected: yes. Observed: 4 variant alleles.
Comment: SPAST: PP3, BS1:Supporting

Labcorp Genetics (formerly Invitae), Labcorp
Classification: Likely benign for Hereditary spastic paraplegia 4. Last evaluated: 2025-12-15. Review status: criteria provided, single submitter. Criteria: Invitae Variant Classification Sherloc (09022015). Collection method: clinical testing. Allele origin: germline.

Women's Health and Genetics/Laboratory Corporation of America, LabCorp
Classification: Uncertain significance. Last evaluated: 2025-04-25. Review status: criteria provided, single submitter. Criteria: LabCorp Variant Classification Summary - May 2015. Collection method: clinical testing. Allele origin: germline.
Comment: Variant summary: SPAST c.1735A>C (p.Asn579His) results in a conservative amino acid change located in the Spastin/Vps4, C-terminal (IPR015415) of the encoded protein sequence. Three of five in-silico tools predict a benign effect of the variant on protein function. The variant allele was found at a frequency of 0.00038 in 250738 control chromosomes, predominantly at a frequency of 0.00072 within the Non-Finnish European subpopulation in the gnomAD database. This frequency is not significantly higher than estimated for a pathogenic variant in SPAST causing Spastic Paraplegia 4, Autosomal Dominant, allowing no conclusion about variant significance. c.1735A>C has been reported in the literature in individuals affected with Spastic Paraplegia or hereditary ataxia without strong evidence of causality (Brugman_2005, Depienne_2006, Chelban_2017, Parodi_2018, Gelatolo_2021). These reports do not provide unequivocal conclusions about association of the variant with Spastic Paraplegia 4, Autosomal Dominant. Co-occurrence with another pathogenic/likely pathogenic variant has been reported (SPAST c.1216A>G, p.Ile406Val, Depienne_2006), providing supporting evidence for a benign role. To our knowledge, no experimental evidence demonstrating an impact on protein function has been reported. The following publications have been ascertained in the context of this evaluation (PMID: 16240363, 16055926, 28572275, 30476002, 34445196).ClinVar contains an entry for this variant (Variation ID: 212290). Based on the evidence outlined above, the variant was classified as uncertain significance.

Blueprint Genetics
Classification: Likely benign. Last evaluated: 2024-11-26. Review status: criteria provided, single submitter. Criteria: ACMG Guidelines, 2015. Collection method: clinical testing. Allele origin: germline.

Mayo Clinic Laboratories, Mayo Clinic
Classification: Likely benign. Last evaluated: 2024-10-25. Review status: criteria provided, single submitter. Criteria: ACMG Guidelines, 2015. Collection method: clinical testing. Allele origin: germline. Observed: 6 variant alleles.
Comment: BS2, BP5

Molecular Medicine for Neurodegenerative and Neuromuscular Diseases Unit, IRCCS Fondazione Stella Maris
Classification: Uncertain significance for Spastic ataxia. Last evaluated: 2021-01-04. Review status: criteria provided, single submitter. Criteria: ACMG Guidelines, 2015. Collection method: research. Allele origin: unknown. Affected: yes.

Genome Diagnostics Laboratory, The Hospital for Sick Children
Classification: Uncertain significance for Hereditary spastic paraplegia. Last evaluated: 2019-01-28. Review status: criteria provided, single submitter. Criteria: ACMG Guidelines, 2015. Collection method: clinical testing. Allele origin: germline. Affected: yes.

Illumina Laboratory Services, Illumina
Classification: Benign for Hereditary spastic paraplegia 4. Last evaluated: 2017-04-28. Review status: criteria provided, single submitter. Criteria: ICSL Variant Classification Criteria 13 December 2019. Collection method: clinical testing. Allele origin: germline.
Comment: This variant was observed as part of a predisposition screen in an ostensibly healthy population. A literature search was performed for the gene, cDNA change, and amino acid change (where applicable). Publications were found based on this search. The evidence from the literature, in combination with allele frequency data from public databases where available, was sufficient to rule this variant out of causing disease. Therefore, this variant is classified as benign.

Genetic Services Laboratory, University of Chicago
Classification: Uncertain significance. Last evaluated: 2014-06-27. Review status: criteria provided, single submitter. Criteria: ACMG Guidelines, 2015. Collection method: clinical testing. Allele origin: germline.

Paris Brain Institute, Inserm - ICM
Classification: Uncertain significance for Spastic paraplegia. Review status: criteria provided, single submitter. Criteria: ACMG Guidelines, 2015. Collection method: clinical testing. Allele origin: unknown. Affected: yes. Observed: 1 variant allele.

Literature cited by the submitters: PubMed 16240363 (cited by Women's Health and Genetics/Laboratory Corporation of America, LabCorp and Illumina Laboratory Services, Illumina); PubMed 34445196 (cited by Women's Health and Genetics/Laboratory Corporation of America, LabCorp); PubMed 30476002 (cited by Women's Health and Genetics/Laboratory Corporation of America, LabCorp); PubMed 28572275 (cited by Women's Health and Genetics/Laboratory Corporation of America, LabCorp); PubMed 16055926 (cited by Women's Health and Genetics/Laboratory Corporation of America, LabCorp).